The following continues an entry in ClinVar:

NM_000059.4(BRCA2):c.8524C>T (p.Arg2842Cys)

Gene: BRCA2. ClinVar aggregate classification (germline): Conflicting classifications of pathogenicity. Pathogenic (1); Likely pathogenic (8); Likely pathogenic, low penetrance (1); Uncertain significance (9).

Submissions 7 to 12 of 21:

Color Diagnostics, LLC DBA Color Health
Classification: Uncertain significance for Hereditary cancer-predisposing syndrome. Last evaluated: 2025-06-26. Review status: criteria provided, single submitter. Criteria: ACMG Guidelines, 2015. Collection method: clinical testing. Allele origin: germline.
Comment: This missense variant replaces arginine with cysteine at codon 2842 of the BRCA2 protein. Computational prediction suggests that this variant may have deleterious impact on protein structure and function. Experimental functional studies have demonstrated partial or intermediate effects on homology-directed DNA repair (HDRPMID: 23108138, 24323938, 29884841, 29394989, 29988080, 32354836, 32482800) and intermediate sensitivity to mitomycin C (MMC) and PARP inhibitors (PMID: 32354836), but normal sensitivity to cisplatin and normal complementation of a BRCA2-null cell lethal phenotype (PMID: 29988080). It has also been shown to be defective in replication fork protection of stalled replication forks during interstrand crosslink (ICL) repair, but without an increase in chromosomal breakage (PMID: 32354836). This variant has been reported in compound heterozygous state in 2 siblings diagnosed with atypical Fanconi anemia, 1 unrelated individual diagnosed with Fanconi anemia (PMID: 32354836, ClinVar: SCV000897864.1), but also homozygous in an individual with primary ovarian insufficiency without any personal or family history of BRCA2-associated cancer (PMID: 32482800). Cells homozygous for this variant showed intermediate defects compared with cells from non-carriers and cells from individuals with Fanconi anemia, in terms of MMC-induced chromosomal breaks, cell proliferation rate and radiation-induced RAD51 foci formation (PMID: 32482800). This variant has been detected in two breast cancer case-control studies in 0/2575 cases and 1/2809 unaffected individuals (PMID: 28993434) and in 3/60466 cases and 2/53461 unaffected individuals (PMID: 33471991Leiden Open Variation Database DB-ID BRCA2_000340). This variant has also been reported in an individual considered at-risk for hereditary breast cancer (PMID: 31851867) and in three individuals affected with BRCA2-associated cancers and/or relevant family history (PMID: 40531958Color internal data). A multifactorial analysis has reported an inconclusive likelihood ratio for pathogenicity based on personal and family history of 0.638 from log(LR)=-0.194974631 for 5 carriers (PMID: 31853058). This variant has been identified in 64/1613762 chromosomes in the general population by the Genome Aggregation Database (gnomAD). Although there is evidence of a hypomorphic role for this variant in an autosomal recessive, atypical Fanconi Anemia phenotype, the available evidence is insufficient to conclusively determine the role in autosomal dominant hereditary cancer. Therefore, this variant is classified as a Variant of Uncertain Significance.

Quest Diagnostics Nichols Institute San Juan Capistrano
Classification: Uncertain significance. Last evaluated: 2025-06-12. Review status: criteria provided, single submitter. Criteria: Quest Diagnostics criteria. Collection method: clinical testing. Allele origin: unknown.
Comment: The BRCA2 c.8524C>T (p.Arg2842Cys) variant has been reported in individuals with breast cancer (PMID: 33471991 (2021), see LOVD), colon cancer (PMID: 32354836 (2020)), unspecified childhood cancer (PMID: 30455982 (2018)), renal cancer and cranial sarcoma (PMID: 39271738 (2024)), as well as in reportedly unaffected individuals (PMID: 39271738 (2024), 33471991 (2021), 28993434 (2018)). This variant has been described as being hypomorphic, as an adult individual homozygous for this variant presented with primary ovarian insufficiency without cancer or Fanconi anemia (FA) (PMID: 32482800 (2020)), and co-occurrence of this variant with a second BRCA2 pathogenic variant is reported in two siblings with atypical/mild FA-like phenotype (PMID: 32354836 (2020)). Multiple functional studies indicate this variant retains residual homology-directed DNA repair activity, but has partial/intermediate effect on other BRCA2 functions (PMID: 32482800 (2020), 32354836 (2020), 29884841 (2019), 29988080 (2018), 29394989 (2018), 24323938 (2014), 23108138 (2013)). The frequency of this variant in the general population (Genome Aggregation Database) is uninformative in the assessment of its pathogenicity. Analysis of this variant using bioinformatics tools for the prediction of the effect of amino acid changes on protein structure and function yielded predictions that this variant is damaging. Based on the available information, we are unable to determine the clinical significance of this variant.

First Genomix Gene Laboratory, Genetic Diagnostics Department
Classification: Likely pathogenic for Fanconi anemia complementation group D1. Last evaluated: 2025-06-02. Review status: criteria provided, single submitter. Criteria: ACMG Guidelines, 2015. Collection method: clinical testing. Allele origin: germline. Inheritance: Autosomal recessive inheritance. Affected: no. Observed: 1 variant allele.

Women's Health and Genetics/Laboratory Corporation of America, LabCorp
Classification: Uncertain significance. Last evaluated: 2025-04-18. Review status: criteria provided, single submitter. Criteria: LabCorp Variant Classification Summary - May 2015. Collection method: clinical testing. Allele origin: germline.
Comment: Variant summary: BRCA2 c.8524C>T (p.Arg2842Cys) results in a non-conservative amino acid change located in the Tower domain (IPR015205) of the encoded protein sequence. Five of five in-silico tools predict a damaging effect of the variant on protein function. The variant allele was found at a frequency of 1.2e-05 in 256724 control chromosomes. c.8524C>T has been reported in the literature as a VUS in individuals with breast cancer (example, Wen_2017, Chan_2018, Guindalini_2022). These report(s) do not provide unequivocal conclusions about association of the variant with Hereditary Breast And Ovarian Cancer Syndrome. At least one co-occurrence with another pathogenic variant(s) have been reported in the BIC database (BRCA1 c.135-1G>T), providing supporting evidence for a benign role. Multiple publications report experimental evidence evaluating an impact on protein function (example, Mesman_2018, Guidugli_2018, Hart_2019, Caburet_2020, Rickman_2020). The most pronounced variant effect results in intermediate levels of homology directed repair (HDR) activity. The following publications have been ascertained in the context of this evaluation (PMID: 32482800, 30455982, 33977503, 39271738, 23108138, 24323938, 29394989, 35264596, 29884841, 19043619, 29988080, 32354836, 28993434, 24123850). ClinVar contains an entry for this variant (Variation ID: 52610). Based on the evidence outlined above, the variant was classified as VUS-possibly pathogenic.

Mendelics
Classification: Likely pathogenic for Breast-ovarian cancer, familial, susceptibility to, 2. Last evaluated: 2024-08-01. Review status: criteria provided, single submitter. Criteria: Mendelics Assertion Criteria 2017. Collection method: clinical testing. Allele origin: unknown.

Revvity Omics, Revvity
Classification: Likely pathogenic. Last evaluated: 2024-03-04. Review status: criteria provided, single submitter. Criteria: ACMG Guidelines, 2015. Collection method: clinical testing. Allele origin: germline.